The following is an entry in ClinVar:

NM_001394062.1(MACF1):c.4156C>T (p.Arg1386Cys)

Gene: MACF1 (microtubule actin crosslinking factor 1; plus strand). Cytogenetic location: 1p34.3.
Variant type: single nucleotide variant.
Coding change: c.4156C>T on transcript NM_001394062.1 (MANE Select); coding-DNA position 4156, C replaced by T.
Protein change: p.Arg1386Cys; replaces arginine 1386 with cysteine.
Molecular consequence: missense variant.
Genome position (GRCh38, 1-based): chr1:39,322,928, C>T. VCF-style: chr1-39322928-C-T. GRCh37 (hg19) VCF-style: chr1-39788600-C-T.
Other names: c.4171C>T, p.Arg1391Cys (NM_012090.5); short protein forms R1386C, R1391C.
Identifiers: ClinVar variation 1701100 (VCV001701100.31), dbSNP rs202118871, ClinGen allele CA339738950.

ClinVar aggregate classification (germline): Likely benign (1 of 4 stars; one submission).

Allele frequency attached by ClinVar (database versions not stated): gnomAD 0.00001; TOPMed 0.00001.
gnomAD v4.1: 13 of 1,613,896 alleles (0.00081%); highest among the groups gnomAD compares: Middle Eastern, 0.016%; no homozygotes.

Submission:

CeGaT Center for Human Genetics Tuebingen
Classification: Likely benign. Last evaluated: 2022-06-01. Review status: criteria provided, single submitter. Criteria: CeGaT Center For Human Genetics Tuebingen Variant Classification Criteria Version 2. Collection method: clinical testing. Allele origin: germline. Affected: yes. Observed: 1 variant allele.
Comment: MACF1: BS2